The following is an entry in ClinVar:

ClinVar aggregate classification (germline): Uncertain significance (1 of 4 stars; one submission).

Conditions:
Malignant hyperthermia, susceptibility to, 1 (MHS1). Also called: Anesthesia related hyperthermia; Malignant hyperpyrexia; Fulminating hyperpyrexia; Pharmacogenic myopathy; RYR1-Related Malignant Hyperthermia Susceptibility; Malignant hyperthermia suceptibility 1. Identifiers: Orphanet 423, MedGen C2930980, MONDO:0007783, OMIM 145600.

Submission:

All of Us Research Program, National Institutes of Health
Classification: Uncertain significance for Malignant hyperthermia, susceptibility to, 1. Last evaluated: 2023-10-06. Review status: criteria provided, single submitter. Criteria: ACMG Guidelines, 2015. Collection method: clinical testing. Allele origin: germline. Inheritance: Autosomal dominant inheritance. Observed: 1 variant allele, 1 heterozygote.
Comment: This variant causes a C to A nucleotide substitution at the -5 position of intron 36 of the RYR1 gene. To our knowledge, functional studies have not been reported for this variant. This variant has not been reported in individuals affected with RYR1-related disorders in the literature. This variant has not been identified in the general population by the Genome Aggregation Database (gnomAD). The available evidence is insufficient to determine the role of this variant in disease conclusively. Therefore, this variant is classified as a Variant of Uncertain Significance.

This study involves interpretation of variants in research participants for the purpose of population health screening. Participant phenotype was not available at the time of variant classification. Additional details can be found in publication PMID: 35346344, PMCID: PMC8962531

NM_000540.3(RYR1):c.6016-5C>A

Gene: RYR1 (ryanodine receptor 1; plus strand). Cytogenetic location: 19q13.2.
Variant type: single nucleotide variant.
Coding change: c.6016-5C>A on transcript NM_000540.3 (MANE Select); 5 bases into the intron before coding-DNA position 6016, C replaced by A.
Molecular consequence: intron variant.
Genome position (GRCh38, 1-based): chr19:38,490,616, C>A. VCF-style: chr19-38490616-C-A. GRCh37 (hg19) VCF-style: chr19-38981256-C-A.
Other names: c.6016-5C>A (NM_001042723.2).
Identifiers: ClinVar variation 3073826 (VCV003073826.1), dbSNP rs369996114, ClinGen allele CA2584898632.